The following is an entry in ClinVar:

NC_000009.12:g.(?_128537976)_(128541180_?)del

Gene: GLE1 (GLE1 RNA export mediator; plus strand). Cytogenetic location: 9q34.11.
Variant type: Deletion.
Identifiers: ClinVar variation 830522 (VCV000830522.7).

ClinVar aggregate classification (germline): Likely pathogenic (1 of 4 stars; one submission).

Submission:

Labcorp Genetics (formerly Invitae), Labcorp
Classification: Likely pathogenic. Last evaluated: 2022-06-22. Review status: criteria provided, single submitter. Criteria: Invitae Variant Classification Sherloc (09022015). Collection method: clinical testing. Allele origin: germline.
Comment: This variant is a gross deletion of the genomic region encompassing exon(s) 13-16 of the GLE1 gene, which includes the termination codon. This deletion extends beyond the assayed region for this gene and therefore may encompass additional genes. While this deletion is not anticipated to lead to nonsense mediated decay, it is expected to alter mRNA translation or result in a truncated protein product. This variant has not been reported in the literature in individuals affected with GLE1-related conditions. This variant disrupts the p.Ile684 amino acid residue in GLE1. Other variant(s) that disrupt this residue have been determined to be pathogenic (PMID: 18204449, 28657126). This suggests that this residue is clinically significant, and that variants that disrupt this residue are likely to be disease-causing. In summary, the currently available evidence indicates that the variant is pathogenic, but additional data are needed to prove that conclusively. Therefore, this variant has been classified as Likely Pathogenic.

Literature cited by the submitters: PubMed 18204449; PubMed 28657126.